The following is an entry in ClinVar:

NM_001385482.1(HAUS7):c.517C>G (p.His173Asp)

Gene: HAUS7 (HAUS augmin like complex subunit 7; minus strand). Cytogenetic location: Xq28.
Variant type: single nucleotide variant.
Coding change: c.517C>G on transcript NM_001385482.1 (MANE Select); coding-DNA position 517, C replaced by G.
Protein change: p.His173Asp; replaces histidine 173 with aspartic acid.
Molecular consequence: missense variant. On other transcripts: non-coding transcript variant (3).
Genome position (GRCh38, 1-based): chrX:153,456,581, G>C on the plus strand (C>G on the coding strand, the complement: HAUS7 is on the minus strand). VCF-style: chrX-153456581-G-C. GRCh37 (hg19) VCF-style: chrX-152722039-G-C.
Other names: c.517C>G, p.His173Asp (NM_001385481.1, NM_001385483.1); short protein forms H173D.
Identifiers: ClinVar variation 2661692 (VCV002661692.23), dbSNP rs149571166, ClinGen allele CA10546876.

ClinVar aggregate classification (germline): Likely benign (1 of 4 stars; one submission).

gnomAD v4.1: 30 of 1,175,489 alleles (0.0026%); highest among the groups gnomAD compares: Non-Finnish European, 0.0029%; no homozygotes.

Submission:

CeGaT Center for Human Genetics Tuebingen
Classification: Likely benign. Last evaluated: 2022-04-01. Review status: criteria provided, single submitter. Criteria: CeGaT Center For Human Genetics Tuebingen Variant Classification Criteria Version 2. Collection method: clinical testing. Allele origin: germline. Affected: yes. Observed: 1 variant allele.
Comment: HAUS7: BP4